The following is an entry in ClinVar:

NM_031427.4(DNAL1):c.81G>C (p.Glu27Asp)

Gene: DNAL1 (dynein axonemal light chain 1; plus strand). Cytogenetic location: 14q24.3.
Variant type: single nucleotide variant.
Coding change: c.81G>C on transcript NM_031427.4 (MANE Select); coding-DNA position 81, G replaced by C.
Protein change: p.Glu27Asp; replaces glutamic acid 27 with aspartic acid.
Molecular consequence: missense variant. On other transcripts: 5 prime UTR variant (1).
Genome position (GRCh38, 1-based): chr14:73,658,885, G>C. VCF-style: chr14-73658885-G-C. GRCh37 (hg19) VCF-style: chr14-74125588-G-C.
Other names: c.-37G>C (NM_001201366.2); short protein forms E27D.
Identifiers: ClinVar variation 220484 (VCV000220484.10), dbSNP rs774964160, ClinGen allele CA349472.

ClinVar aggregate classification (germline): Uncertain significance. Review status: criteria provided, multiple submitters, no conflicts (2 of 4 stars). 3 submissions from 3 submitters: Uncertain significance (3). Last evaluated 2025-01-19.

Conditions:
Inborn genetic diseases. Identifiers: MedGen C0950123, MeSH D030342.
Primary ciliary dyskinesia 16. Also called: CILIARY DYSKINESIA, PRIMARY, 16, WITH OR WITHOUT SITUS INVERSUS. Identifiers: Orphanet 244, MedGen C3151460, MONDO:0013525, OMIM 614017.

Allele frequency attached by ClinVar (database versions not stated): gnomAD 0.00003; gnomAD exomes 0.00005 and 0.00010; ExAC 0.00007; TOPMed 0.00011.
gnomAD v4.1: 34 of 1,602,424 alleles (0.0021%); highest among the groups gnomAD compares: Admixed American, 0.056%; no homozygotes.

Submissions (3):

Ambry Genetics
Classification: Uncertain significance for Inborn genetic diseases. Last evaluated: 2025-01-19. Review status: criteria provided, single submitter. Criteria: Ambry Variant Classification Scheme 2023. Collection method: clinical testing. Allele origin: germline.

Labcorp Genetics (formerly Invitae), Labcorp
Classification: Uncertain significance for Primary ciliary dyskinesia 16. Last evaluated: 2022-10-24. Review status: criteria provided, single submitter. Criteria: Invitae Variant Classification Sherloc (09022015). Collection method: clinical testing. Allele origin: germline.
Comment: This sequence change replaces glutamic acid, which is acidic and polar, with aspartic acid, which is acidic and polar, at codon 27 of the DNAL1 protein (p.Glu27Asp). This variant is present in population databases (rs774964160, gnomAD 0.07%). This variant has not been reported in the literature in individuals affected with DNAL1-related conditions. ClinVar contains an entry for this variant (Variation ID: 220484). Algorithms developed to predict the effect of missense changes on protein structure and function are either unavailable or do not agree on the potential impact of this missense change (SIFT: "Deleterious"; PolyPhen-2: "Benign"; Align-GVGD: "Class C0"). In summary, the available evidence is currently insufficient to determine the role of this variant in disease. Therefore, it has been classified as a Variant of Uncertain Significance.

Fulgent Genetics
Classification: Uncertain significance for Primary ciliary dyskinesia 16. Last evaluated: 2022-05-02. Review status: criteria provided, single submitter. Criteria: ACMG Guidelines, 2015. Collection method: clinical testing. Allele origin: unknown.